The following is an entry in ClinVar:

ClinVar aggregate classification (germline): Uncertain significance. Review status: criteria provided, single submitter (1 of 4 stars). 2 submissions from 2 submitters: Uncertain significance (1). 1 of the submissions does not count toward it. Last evaluated 2025-06-04.

Conditions:
Congenital hyperammonemia, type I. Also called: Carbamoyl phosphate synthetase 1 deficiency; Hyperammonemia due to carbamoyl phosphate synthetase 1 deficiency; CPS 1 deficiency; Carbamyl phosphate synthetase (CPS) deficiency; Carbamoyl-phosphate synthase I deficiency; CPS I DEFICIENCY. Identifiers: Orphanet 147, MedGen C4082171, MONDO:0009376, OMIM 237300.

Allele frequency attached by ClinVar (database versions not stated): gnomAD exomes below 0.00001.
gnomAD v4.1: 1 of 1,612,398 alleles (0.000062%); highest among the groups gnomAD compares: Non-Finnish European, 0.000085%; no homozygotes.

Submissions (2):

Women's Health and Genetics/Laboratory Corporation of America, LabCorp
Classification: Uncertain significance. Last evaluated: 2025-06-04. Review status: criteria provided, single submitter. Criteria: LabCorp Variant Classification Summary - May 2015. Collection method: clinical testing. Allele origin: germline.
Comment: Variant summary: CPS1 c.1721T>G (p.Leu574Arg) results in a non-conservative amino acid change in the encoded protein sequence. Algorithms developed to predict the effect of missense changes on protein structure and function all suggest that this variant is likely to be disruptive. The variant was absent in 250428 control chromosomes. The available data on variant occurrences in the general population are insufficient to allow any conclusion about variant significance. To our knowledge, no occurrence of c.1721T>G in individuals affected with Carbamoylphosphate Synthetase I Deficiency and no experimental evidence demonstrating its impact on protein function have been reported. ClinVar contains an entry for this variant (Variation ID: 991585). Based on the evidence outlined above, the variant was classified as uncertain significance.

Natera, Inc.
Classification: Uncertain significance for Carbamoyl-phosphate synthase I deficiency. Last evaluated: 2020-08-13. Review status: no assertion criteria provided. Collection method: clinical testing. Allele origin: germline. Not counted in ClinVar's aggregate classification.

NM_001875.5(CPS1):c.1721T>G (p.Leu574Arg)

Gene: CPS1 (carbamoyl-phosphate synthase 1; plus strand). Cytogenetic location: 2q34.
Variant type: single nucleotide variant.
Coding change: c.1721T>G on transcript NM_001875.5 (MANE Select); coding-DNA position 1721, T replaced by G.
Protein change: p.Leu574Arg; replaces leucine 574 with arginine.
Molecular consequence: missense variant. On other transcripts: non-coding transcript variant (2).
Genome position (GRCh38, 1-based): chr2:210,602,215, T>G. VCF-style: chr2-210602215-T-G. GRCh37 (hg19) VCF-style: chr2-211466939-T-G.
Other names: c.1721T>G, p.Leu574Arg (NM_001122633.3, NM_001369257.1); c.1754T>G, p.Leu585Arg (NM_001369256.1); short protein forms L574R, L585R.
Identifiers: ClinVar variation 991585 (VCV000991585.2), dbSNP rs1698750285, ClinGen allele CA350437359.